The following is an entry in ClinVar:

ClinVar aggregate classification (germline): Uncertain significance (1 of 4 stars; one submission).

Conditions:
Mucolipidosis type II. Also called: ML II ALPHA/BETA; Mucolipidosis 2; ML 2; Inclusion cell disease; Leroy Disease; N-acetylglucosamine 1phosphotransferase deficiency. Identifiers: Orphanet 576, MedGen C2673377, MONDO:0009650, OMIM 252500.

Allele frequency attached by ClinVar (database versions not stated): gnomAD exomes below 0.00001.
gnomAD v4.1: 1 of 1,614,008 alleles (0.000062%); highest among the groups gnomAD compares: Non-Finnish European, 0.000085%; no homozygotes.

Submission:

Institute of Human Genetics, University of Goettingen
Classification: Uncertain significance for Mucolipidosis type II. Review status: criteria provided, single submitter. Criteria: ACMG Guidelines, 2015. Collection method: clinical testing. Allele origin: maternal. Inheritance: Autosomal recessive inheritance. Affected: yes. Observed: 1 heterozygote.
Comment: PM3, PM2_SUP, PP3

NM_024312.5(GNPTAB):c.3570C>A (p.Asn1190Lys)

Gene: GNPTAB (N-acetylglucosamine-1-phosphate transferase subunits alpha and beta; minus strand). Cytogenetic location: 12q23.2.
Variant type: single nucleotide variant.
Coding change: c.3570C>A on transcript NM_024312.5 (MANE Select); coding-DNA position 3570, C replaced by A.
Protein change: p.Asn1190Lys; replaces asparagine 1190 with lysine.
Molecular consequence: missense variant.
Genome position (GRCh38, 1-based): chr12:101,753,404, G>T on the plus strand (C>A on the coding strand, the complement: GNPTAB is on the minus strand). VCF-style: chr12-101753404-G-T. GRCh37 (hg19) VCF-style: chr12-102147182-G-T.
Other names: short protein forms N1190K.
Identifiers: ClinVar variation 3024343 (VCV003024343.2), dbSNP rs2547949709, ClinGen allele CA386292217.